The following is an entry in ClinVar:

NM_001370298.3(FGD4):c.2492A>G (p.Tyr831Cys)

Gene: FGD4 (FYVE, RhoGEF and PH domain containing 4; plus strand). Cytogenetic location: 12p11.21.
Variant type: single nucleotide variant.
Coding change: c.2492A>G on transcript NM_001370298.3 (MANE Select); coding-DNA position 2492, A replaced by G.
Protein change: p.Tyr831Cys; replaces tyrosine 831 with cysteine.
Molecular consequence: missense variant.
Genome position (GRCh38, 1-based): chr12:32,640,313, A>G. VCF-style: chr12-32640313-A-G. GRCh37 (hg19) VCF-style: chr12-32793247-A-G.
Other names: c.2336A>G, p.Tyr779Cys (NM_001304481.2); c.1049A>G, p.Tyr350Cys (NM_001304484.2); c.1802A>G, p.Tyr601Cys (NM_001330373.2, NM_001330374.2, NM_001384130.1); c.1529A>G, p.Tyr510Cys (NM_001370297.1); c.2492A>G, p.Tyr831Cys (NM_001384126.1); c.2081A>G, p.Tyr694Cys (NM_001384127.1, NM_001384128.1, NM_001385118.1 and 1 more transcripts); short protein forms Y601C, Y350C, Y694C, Y831C, Y510C, Y779C.
Identifiers: ClinVar variation 1488316 (VCV001488316.4), dbSNP rs760349455, ClinGen allele CA6507112.

ClinVar aggregate classification (germline): Uncertain significance (1 of 4 stars; one submission).

Conditions:
Charcot-Marie-Tooth disease type 4. Also called: Charcot-Marie-Tooth, Type 4; Charcot-Marie-Tooth disease, type IV. Identifiers: Orphanet 64749, MedGen C4082197, MONDO:0018995.

Allele frequency attached by ClinVar (database versions not stated): gnomAD exomes below 0.00001; TOPMed 0.00001; ExAC 0.00001.
gnomAD v4.1: 4 of 1,614,190 alleles (0.00025%); highest among the groups gnomAD compares: South Asian, 0.0011%; no homozygotes.

Submission:

Labcorp Genetics (formerly Invitae), Labcorp
Classification: Uncertain significance for Charcot-Marie-Tooth disease type 4. Last evaluated: 2023-07-17. Review status: criteria provided, single submitter. Criteria: Invitae Variant Classification Sherloc (09022015). Collection method: clinical testing. Allele origin: germline.
Comment: In summary, the available evidence is currently insufficient to determine the role of this variant in disease. Therefore, it has been classified as a Variant of Uncertain Significance. Advanced modeling of protein sequence and biophysical properties (such as structural, functional, and spatial information, amino acid conservation, physicochemical variation, residue mobility, and thermodynamic stability) performed at Invitae indicates that this missense variant is not expected to disrupt FGD4 protein function. ClinVar contains an entry for this variant (Variation ID: 1488316). This variant has not been reported in the literature in individuals affected with FGD4-related conditions. This variant is present in population databases (rs760349455, gnomAD 0.003%). This sequence change replaces tyrosine, which is neutral and polar, with cysteine, which is neutral and slightly polar, at codon 694 of the FGD4 protein (p.Tyr694Cys).